The following is an entry in ClinVar:

NM_012471.3(TRPC5):c.35C>T (p.Ser12Leu)

Gene: TRPC5 (transient receptor potential cation channel subfamily C member 5; minus strand). Cytogenetic location: Xq23.
Variant type: single nucleotide variant.
Coding change: c.35C>T on transcript NM_012471.3 (MANE Select); coding-DNA position 35, C replaced by T.
Protein change: p.Ser12Leu; replaces serine 12 with leucine.
Molecular consequence: missense variant.
Genome position (GRCh38, 1-based): chrX:111,952,386, G>A on the plus strand (C>T on the coding strand, the complement: TRPC5 is on the minus strand). VCF-style: chrX-111952386-G-A. GRCh37 (hg19) VCF-style: chrX-111195614-G-A.
Other names: short protein forms S12L.
Identifiers: ClinVar variation 4998545 (VCV004998545.1).

ClinVar aggregate classification (germline): Uncertain significance (1 of 4 stars; one submission).

Conditions:
TRPC5-related disorder. Also called: TRPC5-related condition.

gnomAD v4.1: 1 of 1,209,379 alleles (0.000083%); highest among the groups gnomAD compares: Admixed American, 0.0022%; no homozygotes.

Submission:

PreventionGenetics, part of Exact Sciences
Classification: Uncertain significance for TRPC5-related condition. Last evaluated: 2025-02-07. Review status: criteria provided, single submitter. Criteria: ACMG Guidelines, 2015. Collection method: clinical testing. Allele origin: germline.
Comment: The TRPC5 c.35C>T variant is predicted to result in the amino acid substitution p.Ser12Leu. To our knowledge, this variant has not been reported in the literature. This variant is reported in 0.0037% of alleles in individuals of Latino descent in gnomAD. At this time, the clinical significance of this variant is uncertain due to the absence of conclusive functional and genetic evidence.